The following is an entry in ClinVar:

NM_033380.3(COL4A5):c.3680T>C (p.Phe1227Ser)

Gene: COL4A5 (collagen type IV alpha 5 chain; plus strand). Cytogenetic location: Xq22.3.
Variant type: single nucleotide variant.
Coding change: c.3680T>C on transcript NM_033380.3 (MANE Select); coding-DNA position 3680, T replaced by C.
Protein change: p.Phe1227Ser; replaces phenylalanine 1227 with serine.
Molecular consequence: missense variant.
Genome position (GRCh38, 1-based): chrX:108,668,394, T>C. VCF-style: chrX-108668394-T-C. GRCh37 (hg19) VCF-style: chrX-107911624-T-C.
Other names: c.3680T>C, p.Phe1227Ser (NM_000495.5); short protein forms F1227S.
Identifiers: ClinVar variation 2180541 (VCV002180541.4), dbSNP rs2524575207, ClinGen allele CA413848683.

ClinVar aggregate classification (germline): Uncertain significance (1 of 4 stars; one submission).

Allele frequency attached by ClinVar (database versions not stated): gnomAD exomes below 0.00001.
gnomAD v4.1: 1 of 1,211,127 alleles (0.000083%); highest among the groups gnomAD compares: Non-Finnish European, 0.00011%; no homozygotes.

Submission:

Labcorp Genetics (formerly Invitae), Labcorp
Classification: Uncertain significance. Last evaluated: 2022-05-17. Review status: criteria provided, single submitter. Criteria: Invitae Variant Classification Sherloc (09022015). Collection method: clinical testing. Allele origin: germline.
Comment: This sequence change replaces phenylalanine, which is neutral and non-polar, with serine, which is neutral and polar, at codon 1227 of the COL4A5 protein (p.Phe1227Ser). In summary, the available evidence is currently insufficient to determine the role of this variant in disease. Therefore, it has been classified as a Variant of Uncertain Significance. Advanced modeling of protein sequence and biophysical properties (such as structural, functional, and spatial information, amino acid conservation, physicochemical variation, residue mobility, and thermodynamic stability) performed at Invitae indicates that this missense variant is not expected to disrupt COL4A5 protein function. This variant has not been reported in the literature in individuals affected with COL4A5-related conditions. This variant is not present in population databases (gnomAD no frequency).